The following is an entry in ClinVar:

NM_015557.3(CHD5):c.840G>A (p.Gly280=)

Gene: CHD5 (chromodomain helicase DNA binding protein 5; minus strand). Cytogenetic location: 1p36.31.
Variant type: single nucleotide variant.
Coding change: c.840G>A on transcript NM_015557.3 (MANE Select); coding-DNA position 840, G replaced by A.
Protein change: p.Gly280=; no amino-acid change (glycine 280 retained).
Molecular consequence: synonymous variant.
Genome position (GRCh38, 1-based): chr1:6,152,442, C>T on the plus strand (G>A on the coding strand, the complement: CHD5 is on the minus strand). VCF-style: chr1-6152442-C-T. GRCh37 (hg19) VCF-style: chr1-6212502-C-T.
Identifiers: ClinVar variation 4982298 (VCV004982298.1).

ClinVar aggregate classification (germline): Likely benign (1 of 4 stars; one submission).

Conditions:
CHD5-related disorder. Also called: CHD5-related condition.

gnomAD v4.1: 37 of 1,614,094 alleles (0.0023%); highest among the groups gnomAD compares: Middle Eastern, 0.4%; no homozygotes.

Submission:

PreventionGenetics, part of Exact Sciences
Classification: Likely benign for CHD5-related condition. Last evaluated: 2025-05-09. Review status: criteria provided, single submitter. Criteria: ACMG Guidelines, 2015. Collection method: clinical testing. Allele origin: germline.
Comment: This variant is classified as likely benign based on ACMG/AMP sequence variant interpretation guidelines (Richards et al. 2015 PMID: 25741868, with internal and published modifications).